The following is an entry in ClinVar:

ClinVar aggregate classification (germline): Likely pathogenic (1 of 4 stars; one submission).

Conditions:
Amyotrophic lateral sclerosis type 1 (ALS1). Also called: AMYOTROPHIC LATERAL SCLEROSIS 1, FAMILIAL. Identifiers: Orphanet 803, MedGen C1862939, MONDO:0007103, OMIM 105400.

Submission:

Labcorp Genetics (formerly Invitae), Labcorp
Classification: Likely pathogenic for Amyotrophic lateral sclerosis type 1. Last evaluated: 2023-06-20. Review status: criteria provided, single submitter. Criteria: Invitae Variant Classification Sherloc (09022015). Collection method: clinical testing. Allele origin: germline.
Comment: This variant disrupts the p.Leu39 amino acid residue in SOD1. Other variant(s) that disrupt this residue have been determined to be pathogenic (PMID: 9029070, 19196430, 19635794, 20184893). This suggests that this residue is clinically significant, and that variants that disrupt this residue are likely to be disease-causing. Advanced modeling of protein sequence and biophysical properties (such as structural, functional, and spatial information, amino acid conservation, physicochemical variation, residue mobility, and thermodynamic stability) performed at Invitae indicates that this missense variant is expected to disrupt SOD1 protein function. ClinVar contains an entry for this variant (Variation ID: 2138374). This missense change has been observed in individual(s) with amyotrophic lateral sclerosis (Invitae). This variant is not present in population databases (gnomAD no frequency). This sequence change replaces leucine, which is neutral and non-polar, with glutamine, which is neutral and polar, at codon 39 of the SOD1 protein (p.Leu39Gln). In summary, the currently available evidence indicates that the variant is pathogenic, but additional data are needed to prove that conclusively. Therefore, this variant has been classified as Likely Pathogenic.

Literature cited by the submitters: PubMed 9029070; PubMed 19196430; PubMed 19635794; PubMed 20184893.

NM_000454.5(SOD1):c.116T>A (p.Leu39Gln)

Gene: SOD1 (superoxide dismutase 1; plus strand). Cytogenetic location: 21q22.11.
Variant type: single nucleotide variant.
Coding change: c.116T>A on transcript NM_000454.5 (MANE Select); coding-DNA position 116, T replaced by A.
Protein change: p.Leu39Gln; replaces leucine 39 with glutamine.
Molecular consequence: missense variant.
Genome position (GRCh38, 1-based): chr21:31,663,833, T>A. VCF-style: chr21-31663833-T-A. GRCh37 (hg19) VCF-style: chr21-33036146-T-A.
Other names: short protein forms L39Q.
Identifiers: ClinVar variation 2138374 (VCV002138374.4), dbSNP rs1555836520, ClinGen allele CA410036655.